The following is an entry in ClinVar:

NM_018557.3(LRP1B):c.5726C>G (p.Thr1909Ser)

Gene: LRP1B (LDL receptor related protein 1B; minus strand). Cytogenetic location: 2q22.1.
Variant type: single nucleotide variant.
Coding change: c.5726C>G on transcript NM_018557.3 (MANE Select); coding-DNA position 5726, C replaced by G.
Protein change: p.Thr1909Ser; replaces threonine 1909 with serine.
Molecular consequence: missense variant.
Genome position (GRCh38, 1-based): chr2:140,769,245, G>C on the plus strand (C>G on the coding strand, the complement: LRP1B is on the minus strand). VCF-style: chr2-140769245-G-C. GRCh37 (hg19) VCF-style: chr2-141526814-G-C.
Other names: short protein forms T1909S.
Identifiers: ClinVar variation 775757 (VCV000775757.6), dbSNP rs79533196, ClinGen allele CA1894814.

ClinVar aggregate classification (germline): Benign. Review status: criteria provided, multiple submitters, no conflicts (2 of 4 stars). 3 submissions from 3 submitters: Benign (2). 1 of the submissions does not count toward it. Last evaluated 2018-04-03.

Conditions:
LRP1B-related disorder. Also called: LRP1B-related condition.

Allele frequency attached by ClinVar (database versions not stated): gnomAD exomes 0.00061 and 0.00159; ExAC 0.00191; 1000 Genomes Project 0.00499; 1000 Genomes Project 30x 0.00515; gnomAD 0.00602 and 0.00647; TOPMed 0.00715; ESP Exome Variant Server 0.00723.
gnomAD v4.1: 1,873 of 1,612,106 alleles (0.12%); highest among the groups gnomAD compares: African/African-American, 2%; 19 homozygotes.

Submissions (3):

Labcorp Genetics (formerly Invitae), Labcorp
Classification: Benign. Last evaluated: 2018-04-03. Review status: criteria provided, single submitter. Criteria: Invitae Variant Classification Sherloc (09022015). Collection method: clinical testing. Allele origin: germline.

Breakthrough Genomics
Classification: Benign. Review status: criteria provided, single submitter. Criteria: ACMG Guidelines, 2015. Collection method: not provided. Allele origin: germline. Inheritance: Unknown mechanism. Affected: yes.

PreventionGenetics, part of Exact Sciences
Classification: Benign for LRP1B-related condition. Last evaluated: 2019-03-14. Review status: no assertion criteria provided. Collection method: clinical testing. Allele origin: germline. Not counted in ClinVar's aggregate classification.
Comment: This variant is classified as benign based on ACMG/AMP sequence variant interpretation guidelines (Richards et al. 2015 PMID: 25741868, with internal and published modifications).